The following is an entry in ClinVar:

ClinVar aggregate classification (germline): Conflicting classifications of pathogenicity. Review status: criteria provided, conflicting classifications (1 of 4 stars). 2 submissions from 2 submitters: Uncertain significance (1); Likely benign (1). Last evaluated 2025-07-18.

gnomAD v4.1: 3 of 1,503,658 alleles (0.0002%); highest among the groups gnomAD compares: African/African-American, 0.0029%; no homozygotes.

Submissions (2):

Labcorp Genetics (formerly Invitae), Labcorp
Classification: Likely benign. Last evaluated: 2025-07-18. Review status: criteria provided, single submitter. Criteria: Invitae Variant Classification Sherloc (09022015). Collection method: clinical testing. Allele origin: germline.

GeneDx
Classification: Uncertain significance. Last evaluated: 2021-06-12. Review status: criteria provided, single submitter. Criteria: GeneDx Variant Classification Process June 2021. Collection method: clinical testing. Allele origin: germline. Affected: yes.
Comment: In silico analysis supports that this variant does not alter splicing; Has not been previously published as pathogenic or benign to our knowledge; This variant is associated with the following publications: (PMID: 27535533)

NM_006015.6(ARID1A):c.579G>A (p.Glu193=)

Gene: ARID1A (AT-rich interaction domain 1A; plus strand). Cytogenetic location: 1p36.11.
Variant type: single nucleotide variant.
Coding change: c.579G>A on transcript NM_006015.6 (MANE Select); coding-DNA position 579, G replaced by A.
Protein change: p.Glu193=; no amino-acid change (glutamic acid 193 retained).
Molecular consequence: synonymous variant.
Genome position (GRCh38, 1-based): chr1:26,696,982, G>A. VCF-style: chr1-26696982-G-A. GRCh37 (hg19) VCF-style: chr1-27023473-G-A.
Other names: c.579G>A, p.Glu193= (NM_139135.4).
Identifiers: ClinVar variation 1313605 (VCV001313605.3), dbSNP rs750489139, ClinGen allele CA19640996.